The following is an entry in ClinVar:

NM_000061.3(BTK):c.1909-9T>C

Gene: BTK (Bruton tyrosine kinase; minus strand). Cytogenetic location: Xq22.1.
Variant type: single nucleotide variant.
Coding change: c.1909-9T>C on transcript NM_000061.3 (MANE Select); 9 bases into the intron before coding-DNA position 1909, T replaced by C.
Molecular consequence: intron variant.
Genome position (GRCh38, 1-based): chrX:101,349,965, A>G on the plus strand (T>C on the coding strand, the complement: BTK is on the minus strand). VCF-style: chrX-101349965-A-G. GRCh37 (hg19) VCF-style: chrX-100604953-A-G.
Other names: c.2011-9T>C (NM_001287344.2); c.1381-9T>C (NM_001287345.2).
Identifiers: ClinVar variation 194911 (VCV000194911.20), dbSNP rs782702231, ClinGen allele CA201434.
Genomic context (GRCh38, chrX:101,349,965, plus strand): 5'-CATCTAGAATATTGCTCAGAAGAATTTTGAAAGTGGGACGCTCATCTGCTTTCTAAAACC[A>G]AAGAAAAAGTAAAGTGTTAGAGTGGCTAGAATCCAGAATTCAAGGGAAATGCAATGAGTA-3'

ClinVar aggregate classification (germline): Conflicting classifications of pathogenicity. Review status: criteria provided, conflicting classifications (1 of 4 stars). 5 submissions from 4 submitters: Uncertain significance (1); Benign (2); Likely benign (2). Last evaluated 2025-11-26.

Conditions:
X-linked agammaglobulinemia (XLA). Also called: Bruton-type agammaglobulinemia; Bruton's agammaglobulinemia; AGAMMAGLOBULINEMIA, X-LINKED, TYPE 1; Agammaglobulinemia, Bruton tyrosine kinase; Agammaglobulinemia, BTK; BTK-deficiency. Identifiers: Orphanet 229717, Orphanet 47, MedGen C0221026, MONDO:0010421, OMIM 300755.
X-linked agammaglobulinemia with growth hormone deficiency (IGHD3). Also called: Isolated growth hormone deficiency type 3; Growth hormone deficiency with hypogammaglobulinemia; AGAMMAGLOBULINEMIA AND ISOLATED GROWTH HORMONE DEFICIENCY, X-LINKED; FLEISHER SYNDROME; HYPOGAMMAGLOBULINEMIA AND ISOLATED GROWTH HORMONE DEFICIENCY, X-LINKED; IGHD III. Identifiers: Orphanet 231692, Orphanet 631, MedGen C0472813, MONDO:0010615, OMIM 307200.

Allele frequency attached by ClinVar (database versions not stated): TOPMed 0.00020; gnomAD 0.00028 and 0.00029; gnomAD exomes 0.00030 and 0.00071; ExAC 0.00034.
gnomAD v4.1: 773 of 1,180,184 alleles (0.065%); highest among the groups gnomAD compares: Non-Finnish European, 0.082%; 1 homozygote.

Submissions (5):

Labcorp Genetics (formerly Invitae), Labcorp
Classification: Benign for X-linked agammaglobulinemia with growth hormone deficiency. Last evaluated: 2025-11-26. Review status: criteria provided, single submitter. Criteria: Invitae Variant Classification Sherloc (09022015). Collection method: clinical testing. Allele origin: germline.

Blueprint Genetics
Classification: Likely benign. Last evaluated: 2024-10-30. Review status: criteria provided, single submitter. Criteria: ACMG Guidelines, 2015. Collection method: clinical testing. Allele origin: germline.

Illumina Laboratory Services, Illumina
Classification: Uncertain significance for X-linked agammaglobulinemia with growth hormone deficiency. Last evaluated: 2017-04-28. Review status: criteria provided, single submitter. Criteria: ICSL Variant Classification Criteria 13 December 2019. Collection method: clinical testing. Allele origin: germline.

Illumina Laboratory Services, Illumina
Classification: Benign for X-linked agammaglobulinemia. Last evaluated: 2017-04-28. Review status: criteria provided, single submitter. Criteria: ICSL Variant Classification Criteria 13 December 2019. Collection method: clinical testing. Allele origin: germline.
Comment: This variant was observed as part of a predisposition screen in an ostensibly healthy population. A literature search was performed for the gene, cDNA change, and amino acid change (where applicable). Publications were found based on this search. The evidence from the literature, in combination with allele frequency data from public databases where available, was sufficient to rule this variant out of causing disease. Therefore, this variant is classified as benign.

Eurofins Ntd Llc (ga)
Classification: Likely benign. Last evaluated: 2014-12-17. Review status: criteria provided, single submitter. Criteria: EGL Classification Definitions 2015. Collection method: clinical testing. Allele origin: germline. Observed: 1 variant allele, 1 hemizygote.

Literature cited by the submitters: PubMed 26915675 (cited by Illumina Laboratory Services, Illumina).